The following is an entry in ClinVar:

NM_015102.5(NPHP4):c.1119T>C (p.Asn373=)

Gene: NPHP4 (nephrocystin 4; minus strand). Cytogenetic location: 1p36.31.
Variant type: single nucleotide variant.
Coding change: c.1119T>C on transcript NM_015102.5 (MANE Select); coding-DNA position 1119, T replaced by C.
Protein change: p.Asn373=; no amino-acid change (asparagine 373 retained).
Molecular consequence: synonymous variant. On other transcripts: 5 prime UTR variant (2), non-coding transcript variant (1).
Genome position (GRCh38, 1-based): chr1:5,947,104, A>G on the plus strand (T>C on the coding strand, the complement: NPHP4 is on the minus strand). VCF-style: chr1-5947104-A-G. GRCh37 (hg19) VCF-style: chr1-6007164-A-G.
Other names: c.-248T>C (NM_001291593.2, NM_001291594.2).
Identifiers: ClinVar variation 1371158 (VCV001371158.6), dbSNP rs957523362, ClinGen allele CA17155407.

ClinVar aggregate classification (germline): Uncertain significance (1 of 4 stars; one submission).

Conditions:
Nephronophthisis. Also called: Juvenile Nephronophthisis. Identifiers: Orphanet 655, MedGen C0687120, MONDO:0019005, HP:0000090.

Allele frequency attached by ClinVar (database versions not stated): gnomAD exomes 0.00001.
gnomAD v4.1: 10 of 1,613,876 alleles (0.00062%); highest among the groups gnomAD compares: African/African-American, 0.0027%; no homozygotes.

Submission:

Labcorp Genetics (formerly Invitae), Labcorp
Classification: Uncertain significance for Nephronophthisis. Last evaluated: 2024-01-19. Review status: criteria provided, single submitter. Criteria: Invitae Variant Classification Sherloc (09022015). Collection method: clinical testing. Allele origin: germline.
Comment: This sequence change affects codon 373 of the NPHP4 mRNA. It is a 'silent' change, meaning that it does not change the encoded amino acid sequence of the NPHP4 protein. It affects a nucleotide within the consensus splice site. This variant is present in population databases (no rsID available, gnomAD 0.004%). This variant has not been reported in the literature in individuals affected with NPHP4-related conditions. ClinVar contains an entry for this variant (Variation ID: 1371158). Algorithms developed to predict the effect of sequence changes on RNA splicing suggest that this variant is not likely to affect RNA splicing. In summary, the available evidence is currently insufficient to determine the role of this variant in disease. Therefore, it has been classified as a Variant of Uncertain Significance.